The following is an entry in ClinVar:

NM_000301.5(PLG):c.266G>C (p.Arg89Thr)

Gene: PLG (plasminogen; plus strand). Cytogenetic location: 6q26.
Variant type: single nucleotide variant.
Coding change: c.266G>C on transcript NM_000301.5 (MANE Select); coding-DNA position 266, G replaced by C.
Protein change: p.Arg89Thr; replaces arginine 89 with threonine.
Molecular consequence: missense variant.
Genome position (GRCh38, 1-based): chr6:160,707,780, G>C. VCF-style: chr6-160707780-G-C. GRCh37 (hg19) VCF-style: chr6-161128812-G-C.
Other names: c.266G>C, p.Arg89Thr (NM_001168338.1); short protein forms R89T.
Identifiers: ClinVar variation 1032300 (VCV001032300.5), dbSNP rs143079629, ClinGen allele CA4087364.

ClinVar aggregate classification (germline): Uncertain significance. Review status: criteria provided, multiple submitters, no conflicts (2 of 4 stars). 3 submissions from 3 submitters: Uncertain significance (3). Last evaluated 2023-12-18.

Conditions:
Angioedema, hereditary, 4. Identifiers: MedGen C5543503, MONDO:0025712, OMIM 619360.
Plasminogen deficiency, type I. Also called: Type 1 plasminogen deficiency; Hypoplasminogenemia. Identifiers: Orphanet 722, MedGen C1968804, MONDO:0009009, OMIM 217090.

gnomAD v4.1: 6 of 1,611,304 alleles (0.00037%); highest among the groups gnomAD compares: Middle Eastern, 0.022%; no homozygotes.

Submissions (3):

Labcorp Genetics (formerly Invitae), Labcorp
Classification: Uncertain significance. Last evaluated: 2023-12-18. Review status: criteria provided, single submitter. Criteria: Invitae Variant Classification Sherloc (09022015). Collection method: clinical testing. Allele origin: germline.
Comment: This sequence change replaces arginine, which is basic and polar, with threonine, which is neutral and polar, at codon 89 of the PLG protein (p.Arg89Thr). This variant is present in population databases (rs143079629, gnomAD 0.0009%). This variant has not been reported in the literature in individuals affected with PLG-related conditions. ClinVar contains an entry for this variant (Variation ID: 1032300). Advanced modeling of protein sequence and biophysical properties (such as structural, functional, and spatial information, amino acid conservation, physicochemical variation, residue mobility, and thermodynamic stability) performed at Invitae indicates that this missense variant is not expected to disrupt PLG protein function with a negative predictive value of 95%. In summary, the available evidence is currently insufficient to determine the role of this variant in disease. Therefore, it has been classified as a Variant of Uncertain Significance.

Fulgent Genetics
Classification: Uncertain significance for Plasminogen deficiency, type I; Angioedema, hereditary, 4. Last evaluated: 2021-08-02. Review status: criteria provided, single submitter. Criteria: ACMG Guidelines, 2015. Collection method: clinical testing. Allele origin: unknown.

Baylor Genetics
Classification: Uncertain significance for Plasminogen deficiency, type I. Last evaluated: 2018-06-06. Review status: criteria provided, single submitter. Criteria: ACMG Guidelines, 2015. Collection method: clinical testing. Allele origin: maternal. Affected: yes.
Comment: This variant was determined to be of uncertain significance according to ACMG Guidelines, 2015 [PMID:25741868].